The following is an entry in ClinVar:

NM_053025.4(MYLK):c.2193A>G (p.Thr731=)

Gene: MYLK (myosin light chain kinase; minus strand). Cytogenetic location: 3q21.1.
Variant type: single nucleotide variant.
Coding change: c.2193A>G on transcript NM_053025.4 (MANE Select); coding-DNA position 2193, A replaced by G.
Protein change: p.Thr731=; no amino-acid change (threonine 731 retained).
Molecular consequence: synonymous variant.
Genome position (GRCh38, 1-based): chr3:123,707,951, T>C on the plus strand (A>G on the coding strand, the complement: MYLK is on the minus strand). VCF-style: chr3-123707951-T-C. GRCh37 (hg19) VCF-style: chr3-123426798-T-C.
Other names: c.2193A>G (NM_053025.3); c.1665A>G, p.Thr555= (NM_001321309.2); c.1986A>G, p.Thr662= (NM_053026.4, NM_053028.4); c.2193A>G, p.Thr731= (NM_053027.4).
Identifiers: ClinVar variation 1463296 (VCV001463296.27), dbSNP rs376661088, ClinGen allele CA068265.
Genomic context (GRCh38, chr3:123,707,951, plus strand): 5'-GGTAGGAAAGGGGTCACCAGCTATGGCGCAGGAGATGAGGACACTCTGGCCCAGGGAGGC[T>C]GTCACTGAGCGAGGCTTACTGATGAACCAGGGCTGGGTGCCATCGTGAGGCTCTGGAAAT-3'
Protein context (NP_444253.3, residues 721-741): PWFISKPRSV[Thr731=]ASLGQSVLIS

ClinVar aggregate classification (germline): Likely benign. Review status: criteria provided, multiple submitters, no conflicts (2 of 4 stars). 3 submissions from 3 submitters: Likely benign (3). Last evaluated 2025-12-06.

Conditions:
Aortic aneurysm, familial thoracic 7 (AAT7). Also called: AORTIC DISSECTION, FAMILIAL, WITH OR WITHOUT AORTIC ANEURYSM. Identifiers: MedGen C3151077, MONDO:0013418, OMIM 613780.
Familial thoracic aortic aneurysm and aortic dissection (TAAD). Also called: Thoracic aortic aneurysms and dissections. Identifiers: Orphanet 91387, MedGen C4707243, MONDO:0019625.

Allele frequency attached by ClinVar (database versions not stated): gnomAD exomes below 0.00001; ExAC 0.00001; TOPMed 0.00001; ESP Exome Variant Server 0.00008.
gnomAD v4.1: 6 of 1,614,218 alleles (0.00037%); highest among the groups gnomAD compares: Non-Finnish European, 0.00051%; no homozygotes.

Submissions (3):

Labcorp Genetics (formerly Invitae), Labcorp
Classification: Likely benign for Aortic aneurysm, familial thoracic 7. Last evaluated: 2025-12-06. Review status: criteria provided, single submitter. Criteria: Invitae Variant Classification Sherloc (09022015). Collection method: clinical testing. Allele origin: germline.

Ambry Genetics
Classification: Likely benign for Familial thoracic aortic aneurysm and aortic dissection. Last evaluated: 2025-03-23. Review status: criteria provided, single submitter. Criteria: Ambry Variant Classification Scheme 2023. Collection method: clinical testing. Allele origin: germline.

CeGaT Center for Human Genetics Tuebingen
Classification: Likely benign. Last evaluated: 2024-05-01. Review status: criteria provided, single submitter. Criteria: CeGaT Center For Human Genetics Tuebingen Variant Classification Criteria Version 2. Collection method: clinical testing. Allele origin: germline. Affected: yes. Observed: 1 variant allele.
Comment: MYLK: BP4, BP7